The following is an entry in ClinVar:

ClinVar aggregate classification (germline): Benign. Review status: criteria provided, single submitter (1 of 4 stars). 2 submissions from 1 submitter: Benign (2). Last evaluated 2018-01-12.

Conditions:
Short-rib thoracic dysplasia 7 with or without polydactyly (SRTD7). Also called: SHORT-RIB THORACIC DYSPLASIA 7 WITH POLYDACTYLY; Short rib polydactyly syndrome 5. Identifiers: Orphanet 498497, Orphanet 93271, MedGen C3279792, MONDO:0013569, OMIM 614091.
Cranioectodermal dysplasia 2 (CED2). Identifiers: Orphanet 1515, MedGen C3150874, MONDO:0013323, OMIM 613610.

Allele frequency attached by ClinVar (database versions not stated): gnomAD 0.01898; 1000 Genomes Project 0.01937; TOPMed 0.01983; 1000 Genomes Project 30x 0.02061.

Submissions (2):

Illumina Laboratory Services, Illumina
Classification: Benign for Cranioectodermal dysplasia 2. Last evaluated: 2018-01-12. Review status: criteria provided, single submitter. Criteria: ICSL Variant Classification Criteria 13 December 2019. Collection method: clinical testing. Allele origin: germline.
Comment: This variant was observed in the ICSL laboratory as part of a predisposition screen in an ostensibly healthy population. It had not been previously curated by ICSL or reported in the Human Gene Mutation Database (HGMD: prior to June 1st, 2018), and was therefore a candidate for classification through an automated scoring system. Utilizing variant allele frequency, disease prevalence and penetrance estimates, and inheritance mode, an automated score was calculated to assess if this variant is too frequent to cause the disease. Based on the score and internal cut-off values, a variant classified as benign is not then subjected to further curation. The score for this variant resulted in a classification of benign for this disease.

Illumina Laboratory Services, Illumina
Classification: Benign for Short-rib thoracic dysplasia 7 with or without polydactyly. Last evaluated: 2018-01-12. Review status: criteria provided, single submitter. Criteria: ICSL Variant Classification Criteria 13 December 2019. Collection method: clinical testing. Allele origin: germline.
Comment: the same text as in the submission from Illumina Laboratory Services, Illumina above.

NM_020779.4(WDR35):c.*2408G>C

Gene: WDR35 (WD repeat domain 35; minus strand). Cytogenetic location: 2p24.1.
Variant type: single nucleotide variant.
Coding change: c.*2408G>C on transcript NM_020779.4 (MANE Select); 2408 bases downstream of the stop codon, G replaced by C.
Molecular consequence: 3 prime UTR variant.
Genome position (GRCh38, 1-based): chr2:19,911,150, C>G on the plus strand (G>C on the coding strand, the complement: WDR35 is on the minus strand). VCF-style: chr2-19911150-C-G. GRCh37 (hg19) VCF-style: chr2-20110911-C-G.
Other names: c.*2408G>C (NM_001006657.2).
Identifiers: ClinVar variation 333336 (VCV000333336.5), dbSNP rs112569580, ClinGen allele CA10611888.
Genomic context (GRCh38, chr2:19,911,150, plus strand): 5'-AATTCGTTGGTGGGAAAATTCTAGGGCTCAGGCAGCACAGAATTAGGGGGAAATGAGAAG[C>G]CTCCAAAAGAGAGTTTCCAAAGTTAGGTGAAGTCTGAGGAGTCAACAGGTGATTCTAGAA-3'